The following is an entry in ClinVar:

NM_000748.3(CHRNB2):c.1040T>C (p.Leu347Pro)

Gene: CHRNB2 (cholinergic receptor nicotinic beta 2 subunit; plus strand). Cytogenetic location: 1q21.3.
Variant type: single nucleotide variant.
Coding change: c.1040T>C on transcript NM_000748.3 (MANE Select); coding-DNA position 1040, T replaced by C.
Protein change: p.Leu347Pro; replaces leucine 347 with proline.
Molecular consequence: missense variant.
Genome position (GRCh38, 1-based): chr1:154,571,863, T>C. VCF-style: chr1-154571863-T-C. GRCh37 (hg19) VCF-style: chr1-154544339-T-C.
Other names: short protein forms L347P.
Identifiers: ClinVar variation 2105954 (VCV002105954.4), dbSNP rs368787419, ClinGen allele CA30834851.

ClinVar aggregate classification (germline): Uncertain significance (1 of 4 stars; one submission).

Conditions:
Familial sleep-related hypermotor epilepsy. Also called: Autosomal Dominant Sleep-Related Hypermotor (Hyperkinetic) Epilepsy. Identifiers: Orphanet 98784, MedGen C3696898, MONDO:0000030.

Allele frequency attached by ClinVar (database versions not stated): ESP Exome Variant Server 0.00008; TOPMed 0.00001.

Submission:

Labcorp Genetics (formerly Invitae), Labcorp
Classification: Uncertain significance. Last evaluated: 2022-10-07. Review status: criteria provided, single submitter. Criteria: Invitae Variant Classification Sherloc (09022015). Collection method: clinical testing. Allele origin: germline.
Comment: In summary, the available evidence is currently insufficient to determine the role of this variant in disease. Therefore, it has been classified as a Variant of Uncertain Significance. Advanced modeling of protein sequence and biophysical properties (such as structural, functional, and spatial information, amino acid conservation, physicochemical variation, residue mobility, and thermodynamic stability) performed at Invitae indicates that this missense variant is expected to disrupt CHRNB2 protein function. This variant has not been reported in the literature in individuals affected with CHRNB2-related conditions. This variant is not present in population databases (gnomAD no frequency). This sequence change replaces leucine, which is neutral and non-polar, with proline, which is neutral and non-polar, at codon 347 of the CHRNB2 protein (p.Leu347Pro).